The following is an entry in ClinVar:

ClinVar aggregate classification (germline): Uncertain significance (1 of 4 stars; one submission).

gnomAD v4.1: 6 of 1,613,618 alleles (0.00037%); highest among the groups gnomAD compares: Non-Finnish European, 0.00051%; no homozygotes.

Submission:

Labcorp Genetics (formerly Invitae), Labcorp
Classification: Uncertain significance. Last evaluated: 2025-07-02. Review status: criteria provided, single submitter. Criteria: Invitae Variant Classification Sherloc (09022015). Collection method: clinical testing. Allele origin: germline.
Comment: This sequence change replaces arginine, which is basic and polar, with cysteine, which is neutral and slightly polar, at codon 847 of the ERBB4 protein (p.Arg847Cys). The frequency data for this variant in the population databases is considered unreliable, as metrics indicate poor data quality at this position in the gnomAD database. This variant has not been reported in the literature in individuals affected with ERBB4-related conditions. Invitae Evidence Modeling of protein sequence and biophysical properties (such as structural, functional, and spatial information, amino acid conservation, physicochemical variation, residue mobility, and thermodynamic stability) indicates that this missense variant is expected to disrupt ERBB4 protein function with a positive predictive value of 80%. In summary, the available evidence is currently insufficient to determine the role of this variant in disease. Therefore, it has been classified as a Variant of Uncertain Significance.

NM_005235.3(ERBB4):c.2539C>T (p.Arg847Cys)

Gene: ERBB4 (erb-b2 receptor tyrosine kinase 4; minus strand). Cytogenetic location: 2q34.
Variant type: single nucleotide variant.
Coding change: c.2539C>T on transcript NM_005235.3 (MANE Select); coding-DNA position 2539, C replaced by T.
Protein change: p.Arg847Cys; replaces arginine 847 with cysteine.
Molecular consequence: missense variant.
Genome position (GRCh38, 1-based): chr2:211,431,049, G>A on the plus strand (C>T on the coding strand, the complement: ERBB4 is on the minus strand). VCF-style: chr2-211431049-G-A. GRCh37 (hg19) VCF-style: chr2-212295774-G-A.
Other names: c.2539C>T, p.Arg847Cys (NM_001042599.2); c.2509C>T, p.Arg837Cys (NM_001439005.1, NM_001439006.1); short protein forms R847C, R837C.
Identifiers: ClinVar variation 4741921 (VCV004741921.1).
Genomic context (GRCh38, chr2:211,431,049, plus strand): 5'-GTCTGGCTAGCCCAAAATCTGTGATTTTCACATGGTTTGGAGATTTCACTAAGACATTAC[G>A]GGCTGCCAAATCCCGATGAACGAGTCGTCTTTCTTCCAGGTACATCATTCCCTGAAAAAT-3'
Protein context (NP_005226.1, residues 837-857): RRLVHRDLAA[Arg847Cys]NVLVKSPNHV